The following is an entry in ClinVar:

NM_000027.4(AGA):c.192del (p.Cys64fs)

Gene: AGA (aspartylglucosaminidase; minus strand). Cytogenetic location: 4q34.3.
Variant type: Deletion.
Coding change: c.192del on transcript NM_000027.4 (MANE Select); coding-DNA position 192, one base deleted (T; older notation c.192delT).
Protein change: p.Cys64fs; shifts the reading frame from cysteine 64.
Molecular consequence: frameshift variant. On other transcripts: non-coding transcript variant (1).
Genome position (GRCh38, 1-based): chr4:177,440,362, A deleted on the plus strand (T on the coding strand, the reverse complement: AGA is on the minus strand). VCF-style (leftmost placement, unchanged base first): chr4-177440361-CA-C. GRCh37 (hg19) VCF-style: chr4-178361515-CA-C.
Other names: c.192del, p.Cys64fs (NM_001171988.2); short protein forms C64fs.
Identifiers: ClinVar variation 550967 (VCV000550967.10), dbSNP rs1553994830, ClinGen allele CA658823279.

ClinVar aggregate classification (germline): Pathogenic/Likely pathogenic. Review status: criteria provided, multiple submitters, no conflicts (2 of 4 stars). 4 submissions from 4 submitters: Pathogenic (1); Likely pathogenic (2). 1 of the submissions does not count toward it. Last evaluated 2023-12-06.

Conditions:
Aspartylglucosaminuria (AGU). Also called: GLYCOASPARAGINASE; GLYCOSYLASPARAGINASE DEFICIENCY; Aspartylglucos-aminuria; Aspartylglucos-amidase (AGA) deficiency; AGA DEFICIENCY. Identifiers: Orphanet 93, MedGen C0268225, MONDO:0008830, OMIM 208400, HP:0012068.

Submissions (4):

Labcorp Genetics (formerly Invitae), Labcorp
Classification: Pathogenic for Aspartylglucosaminuria. Last evaluated: 2023-12-06. Review status: criteria provided, single submitter. Criteria: Invitae Variant Classification Sherloc (09022015). Collection method: clinical testing. Allele origin: germline.
Comment: This sequence change creates a premature translational stop signal (p.Cys64Trpfs*10) in the AGA gene. It is expected to result in an absent or disrupted protein product. Loss-of-function variants in AGA are known to be pathogenic (PMID: 7627186, 11309371). This variant is not present in population databases (gnomAD no frequency). This variant has not been reported in the literature in individuals affected with AGA-related conditions. ClinVar contains an entry for this variant (Variation ID: 550967). For these reasons, this variant has been classified as Pathogenic.

Baylor Genetics
Classification: Likely pathogenic for Aspartylglucosaminuria. Last evaluated: 2023-07-24. Review status: criteria provided, single submitter. Criteria: ACMG Guidelines, 2015. Collection method: clinical testing. Allele origin: unknown.

Juno Genomics, Hangzhou Juno Genomics, Inc
Classification: Likely pathogenic for Aspartylglucosaminuria. Review status: criteria provided, single submitter. Criteria: ACMG Guidelines, 2015. Collection method: clinical testing. Allele origin: germline.
Comment: Absent from controls (or at extremely low frequency if recessive) in Genome Aggregation Database.;Null variant in a gene where loss of function (LOF) is a known mechanism of disease.

Counsyl
Classification: Likely pathogenic for Aspartylglucosaminuria. Last evaluated: 2017-03-03. Review status: no assertion criteria provided. Collection method: clinical testing. Allele origin: unknown. Not counted in ClinVar's aggregate classification.

Literature cited by the submitters: PubMed 7627186 (cited by Labcorp Genetics (formerly Invitae), Labcorp); PubMed 11309371 (cited by Labcorp Genetics (formerly Invitae), Labcorp).